The following is an entry in ClinVar:

NM_000093.5(COL5A1):c.203C>G (p.Ser68Cys)

Gene: COL5A1 (collagen type V alpha 1 chain; plus strand). Cytogenetic location: 9q34.3.
Variant type: single nucleotide variant.
Coding change: c.203C>G on transcript NM_000093.5 (MANE Select); coding-DNA position 203, C replaced by G.
Protein change: p.Ser68Cys; replaces serine 68 with cysteine.
Molecular consequence: missense variant.
Genome position (GRCh38, 1-based): chr9:134,691,005, C>G. VCF-style: chr9-134691005-C-G. GRCh37 (hg19) VCF-style: chr9-137582851-C-G.
Other names: p.Ser68Cys; c.203C>G, p.Ser68Cys (NM_001278074.1); short protein forms S68C.
Identifiers: ClinVar variation 4541511 (VCV004541511.1).
Genomic context (GRCh38, chr9:134,691,005, plus strand): 5'-TTCACAACTTGCCTGATGGAATAACAAAGACAACAGGCTTTTGCGCCACGCGGCGATCTT[C>G]CAAAGGCCCGGATGTCGCTTACAGAGTCACCAAAGACGCGCAGCTCAGCGCACCCACCAA-3'
Protein context (NP_000084.3, residues 58-78): TTGFCATRRS[Ser68Cys]KGPDVAYRVT

ClinVar aggregate classification (germline): Uncertain significance (1 of 4 stars; one submission).

Submission:

Mayo Clinic Laboratories, Mayo Clinic
Classification: Uncertain significance. Last evaluated: 2025-10-23. Review status: criteria provided, single submitter. Criteria: ACMG Guidelines, 2015. Collection method: clinical testing. Allele origin: germline. Observed: 1 variant allele.
Comment: BP4, PM2_supporting